The following is an entry in ClinVar:

ClinVar aggregate classification (germline): Uncertain significance (1 of 4 stars; one submission).

Conditions:
Rhabdoid tumor predisposition syndrome 2 (RTPS2). Identifiers: Orphanet 231108, Orphanet 69077, MedGen C2750074, MONDO:0013224, OMIM 613325.

Submission:

Labcorp Genetics (formerly Invitae), Labcorp
Classification: Uncertain significance for Rhabdoid tumor predisposition syndrome 2. Last evaluated: 2025-12-21. Review status: criteria provided, single submitter. Criteria: Invitae Variant Classification Sherloc (09022015). Collection method: clinical testing. Allele origin: germline.
Comment: This sequence change replaces glutamine, which is neutral and polar, with leucine, which is neutral and non-polar, at codon 1438 of the SMARCA4 protein (p.Gln1438Leu). This variant is not present in population databases (gnomAD no frequency). This variant has not been reported in the literature in individuals affected with SMARCA4-related conditions. An algorithm developed to predict the effect of missense changes on protein structure and function (PolyPhen-2) suggests that this variant is likely to be tolerated. In summary, the available evidence is currently insufficient to determine the role of this variant in disease. Therefore, it has been classified as a Variant of Uncertain Significance.

NM_003072.5(SMARCA4):c.4217A>T (p.Gln1406Leu)

Gene: SMARCA4 (SWI/SNF related BAF chromatin remodeling complex subunit ATPase 4; plus strand). Cytogenetic location: 19p13.2.
Variant type: single nucleotide variant.
Coding change: c.4217A>T on transcript NM_003072.5 (MANE Select); coding-DNA position 4217, A replaced by T.
Protein change: p.Gln1406Leu; replaces glutamine 1406 with leucine.
Molecular consequence: missense variant. On other transcripts: non-coding transcript variant (1).
Genome position (GRCh38, 1-based): chr19:11,041,353, A>T. VCF-style: chr19-11041353-A-T. GRCh37 (hg19) VCF-style: chr19-11152029-A-T.
Other names: c.4217A>T, p.Gln1406Leu (NM_001128844.3); c.4127A>T, p.Gln1376Leu (NM_001128845.2, NM_001128846.2); c.4118A>T, p.Gln1373Leu (NM_001128847.4, NM_001128848.2, NM_001374457.1); c.4313A>T, p.Gln1438Leu (NM_001128849.3, NM_001387283.1); c.4214A>T, p.Gln1405Leu (NM_001411150.1); short protein forms Q1376L, Q1373L, Q1405L, Q1406L, Q1438L.
Identifiers: ClinVar variation 4760569 (VCV004760569.1).
Genomic context (GRCh38, chr19:11,041,353, plus strand): 5'-TATTGACCCTGAAGGCCATCGAGGAGGGCACGCTGGAGGAGATCGAAGAGGAGGTCCGGC[A>T]GAAGAAATCATCACGGAAGCGCAAGCGAGACAGCGACGCCGGCTCCTCCACCCCGACCAC-3'
Protein context (NP_003063.2, residues 1396-1416): TLEEIEEEVR[Gln1406Leu]KKSSRKRKRD